The following is an entry in ClinVar:

ClinVar aggregate classification (germline): Uncertain significance (1 of 4 stars; one submission).

Conditions:
Sulfite oxidase deficiency due to molybdenum cofactor deficiency type C. Also called: Molybdenum cofactor deficiency C; Molybdenum cofactor deficiency, complementation group C. Identifiers: Orphanet 308400, Orphanet 833, MedGen C1854990, MONDO:0014212, OMIM 615501.

Submission:

Labcorp Genetics (formerly Invitae), Labcorp
Classification: Uncertain significance for Sulfite oxidase deficiency due to molybdenum cofactor deficiency type C. Last evaluated: 2024-03-27. Review status: criteria provided, single submitter. Criteria: Invitae Variant Classification Sherloc (09022015). Collection method: clinical testing. Allele origin: germline.
Comment: This sequence change replaces alanine, which is neutral and non-polar, with glutamic acid, which is acidic and polar, at codon 643 of the GPHN protein (p.Ala643Glu). This variant is not present in population databases (gnomAD no frequency). This variant has not been reported in the literature in individuals affected with GPHN-related conditions. Advanced modeling of protein sequence and biophysical properties (such as structural, functional, and spatial information, amino acid conservation, physicochemical variation, residue mobility, and thermodynamic stability) performed at Invitae indicates that this missense variant is expected to disrupt GPHN protein function with a positive predictive value of 80%. In summary, the available evidence is currently insufficient to determine the role of this variant in disease. Therefore, it has been classified as a Variant of Uncertain Significance.

NM_020806.5(GPHN):c.1928C>A (p.Ala643Glu)

Gene: GPHN (gephyrin; plus strand). Cytogenetic location: 14q23.3.
Variant type: single nucleotide variant.
Coding change: c.1928C>A on transcript NM_020806.5 (MANE Select); coding-DNA position 1928, C replaced by A.
Protein change: p.Ala643Glu; replaces alanine 643 with glutamic acid.
Molecular consequence: missense variant.
Genome position (GRCh38, 1-based): chr14:67,165,179, C>A. VCF-style: chr14-67165179-C-A. GRCh37 (hg19) VCF-style: chr14-67631896-C-A.
Other names: c.1829C>A, p.Ala610Glu (NM_001024218.2); c.1988C>A, p.Ala663Glu (NM_001377514.1); c.1958C>A, p.Ala653Glu (NM_001377515.1); c.1949C>A, p.Ala650Glu (NM_001377516.1); c.1901C>A, p.Ala634Glu (NM_001377517.1); c.1886C>A, p.Ala629Glu (NM_001377518.1); c.1868C>A, p.Ala623Glu (NM_001377519.1); short protein forms A634E, A629E, A643E, A650E, A663E, A610E, A653E, A623E.
Identifiers: ClinVar variation 3647789 (VCV003647789.2).